The following is an entry in ClinVar:

NM_152365.3(KDF1):c.845T>G (p.Ile282Ser)

Gene: KDF1 (keratinocyte differentiation factor 1; minus strand). Cytogenetic location: 1p36.11.
Variant type: single nucleotide variant.
Coding change: c.845T>G on transcript NM_152365.3 (MANE Select); coding-DNA position 845, T replaced by G.
Protein change: p.Ile282Ser; replaces isoleucine 282 with serine.
Molecular consequence: missense variant.
Genome position (GRCh38, 1-based): chr1:26,951,536, A>C on the plus strand (T>G on the coding strand, the complement: KDF1 is on the minus strand). VCF-style: chr1-26951536-A-C. GRCh37 (hg19) VCF-style: chr1-27278027-A-C.
Other names: short protein forms I282S.
Identifiers: ClinVar variation 2717585 (VCV002717585.3), dbSNP rs2522715819, ClinGen allele CA339159398.

ClinVar aggregate classification (germline): Pathogenic (1 of 4 stars; one submission).

Submission:

Labcorp Genetics (formerly Invitae), Labcorp
Classification: Pathogenic. Last evaluated: 2024-03-03. Review status: criteria provided, single submitter. Criteria: Invitae Variant Classification Sherloc (09022015). Collection method: clinical testing. Allele origin: germline.
Comment: This sequence change replaces isoleucine, which is neutral and non-polar, with serine, which is neutral and polar, at codon 282 of the KDF1 protein (p.Ile282Ser). This variant is not present in population databases (gnomAD no frequency). This missense change has been observed in individual(s) with clinical features of tooth agenesis (Invitae). It has also been observed to segregate with disease in related individuals. Advanced modeling of protein sequence and biophysical properties (such as structural, functional, and spatial information, amino acid conservation, physicochemical variation, residue mobility, and thermodynamic stability) performed at Invitae indicates that this missense variant is not expected to disrupt KDF1 protein function with a negative predictive value of 80%. For these reasons, this variant has been classified as Pathogenic.